The following is an entry in ClinVar:

NM_000308.4(CTSA):c.1287G>A (p.Lys429=)

Gene: CTSA (cathepsin A; plus strand). Cytogenetic location: 20q13.12.
Variant type: single nucleotide variant.
Coding change: c.1287G>A on transcript NM_000308.4 (MANE Select); coding-DNA position 1287, G replaced by A.
Protein change: p.Lys429=; no amino-acid change (lysine 429 retained).
Molecular consequence: synonymous variant. On other transcripts: non-coding transcript variant (1).
Genome position (GRCh38, 1-based): chr20:45,898,037, G>A. VCF-style: chr20-45898037-G-A. GRCh37 (hg19) VCF-style: chr20-44526676-G-A.
Other names: c.1287G>A, p.Lys429= (NM_001127695.3); c.1236G>A, p.Lys412= (NM_001167594.3).
Identifiers: ClinVar variation 771936 (VCV000771936.50), dbSNP rs41282776, ClinGen allele CA9883364.

ClinVar aggregate classification (germline): Benign/Likely benign. Review status: criteria provided, multiple submitters, no conflicts (2 of 4 stars). 9 submissions from 9 submitters: Benign (1); Likely benign (5). 3 of the submissions do not count toward it. Last evaluated 2026-02-04.

Conditions:
Combined deficiency of sialidase AND beta galactosidase (GSL). Also called: GOLDBERG SYNDROME; NEURAMINIDASE DEFICIENCY WITH BETA-GALACTOSIDASE DEFICIENCY; NEURAMINIDASE/BETA-GALACTOSIDASE EXPRESSION; PPCA DEFICIENCY; PROTECTIVE PROTEIN/CATHEPSIN A DEFICIENCY; CATHEPSIN A DEFICIENCY. Identifiers: Orphanet 351, MedGen C0268233, MONDO:0009737, OMIM 256540.
CTSA-related disorder. Also called: CTSA-related condition.

Allele frequency attached by ClinVar (database versions not stated): 1000 Genomes Project 0.00180; 1000 Genomes Project 30x 0.00203; gnomAD exomes 0.00283 and 0.00329; ExAC 0.00296; gnomAD 0.00302 and 0.00321; TOPMed 0.00303; ESP Exome Variant Server 0.00323.
gnomAD v4.1: 5,247 of 1,614,126 alleles (0.33%); highest among the groups gnomAD compares: Non-Finnish European, 0.38%; 11 homozygotes.

Submissions (9):

Labcorp Genetics (formerly Invitae), Labcorp
Classification: Benign for Combined deficiency of sialidase AND beta galactosidase. Last evaluated: 2026-02-04. Review status: criteria provided, single submitter. Criteria: Invitae Variant Classification Sherloc (09022015). Collection method: clinical testing. Allele origin: germline.

Blueprint Genetics
Classification: Likely benign. Last evaluated: 2024-11-25. Review status: criteria provided, single submitter. Criteria: ACMG Guidelines, 2015. Collection method: clinical testing. Allele origin: germline.

CeGaT Center for Human Genetics Tuebingen
Classification: Likely benign. Last evaluated: 2024-07-01. Review status: criteria provided, single submitter. Criteria: CeGaT Center For Human Genetics Tuebingen Variant Classification Criteria Version 2. Collection method: clinical testing. Allele origin: germline. Affected: yes. Observed: 6 variant alleles.
Comment: CTSA: BP4, BP7

Fulgent Genetics
Classification: Likely benign for Combined deficiency of sialidase AND beta galactosidase. Last evaluated: 2022-04-21. Review status: criteria provided, single submitter. Criteria: ACMG Guidelines, 2015. Collection method: clinical testing. Allele origin: unknown.

Illumina Laboratory Services, Illumina
Classification: Likely benign for Combined deficiency of sialidase AND beta galactosidase. Last evaluated: 2018-01-13. Review status: criteria provided, single submitter. Criteria: ICSL Variant Classification Criteria 13 December 2019. Collection method: clinical testing. Allele origin: germline.
Comment: This variant was observed in the ICSL laboratory as part of a predisposition screen in an ostensibly healthy population. It had not been previously curated by ICSL or reported in the Human Gene Mutation Database (HGMD: prior to June 1st, 2018), and was therefore a candidate for classification through an automated scoring system. Utilizing variant allele frequency, disease prevalence and penetrance estimates, and inheritance mode, an automated score was calculated to assess if this variant is too frequent to cause the disease. Based on the score and internal cut-off values, a variant classified as likely benign is not then subjected to further curation. The score for this variant resulted in a classification of likely benign for this disease.

Breakthrough Genomics
Classification: Likely benign. Review status: criteria provided, single submitter. Criteria: ACMG Guidelines, 2015. Collection method: not provided. Allele origin: germline. Inheritance: Autosomal recessive inheritance. Affected: yes.

PreventionGenetics, part of Exact Sciences
Classification: Likely benign for CTSA-related condition. Last evaluated: 2019-05-06. Review status: no assertion criteria provided. Collection method: clinical testing. Allele origin: germline. Not counted in ClinVar's aggregate classification.
Comment: This variant is classified as likely benign based on ACMG/AMP sequence variant interpretation guidelines (Richards et al. 2015 PMID: 25741868, with internal and published modifications).

Diagnostic Laboratory, Department of Genetics, University Medical Center Groningen
Classification: Likely benign. Review status: no assertion criteria provided. Collection method: clinical testing. Allele origin: germline. Affected: yes. Study: VKGL Data-share Consensus. Not counted in ClinVar's aggregate classification.

Laboratory of Diagnostic Genome Analysis, Leiden University Medical Center (LUMC)
Classification: Likely benign. Review status: no assertion criteria provided. Collection method: clinical testing. Allele origin: germline. Affected: yes. Study: VKGL Data-share Consensus. Not counted in ClinVar's aggregate classification.